The following is an entry in ClinVar:

ClinVar aggregate classification (germline): Pathogenic (1 of 4 stars; one submission).

Submission:

CeGaT Center for Human Genetics Tuebingen
Classification: Pathogenic. Last evaluated: 2024-12-01. Review status: criteria provided, single submitter. Criteria: CeGaT Center For Human Genetics Tuebingen Variant Classification Criteria Version 2. Collection method: clinical testing. Allele origin: germline. Affected: yes. Observed: 1 variant allele.
Comment: EYS: PVS1, PM2, PM3:Supporting

NM_001142800.2(EYS):c.8349dup (p.His2784fs)

Genes: EYS (EGF-like photoreceptor maintenance factor; minus strand), PHF3 (PHD finger protein 3; plus strand). Cytogenetic location: 6q12.
Variant type: Duplication.
Coding change: c.8349dup on transcript NM_001142800.2 (MANE Select); coding-DNA position 8349, one base duplicated (G; older notation c.8349dupG).
Protein change: p.His2784fs; shifts the reading frame from histidine 2784.
Molecular consequence: frameshift variant. On other transcripts: 3 prime UTR variant (5).
Genome position (GRCh38, 1-based): chr6:63,721,682, C duplicated on the plus strand (G on the coding strand, the reverse complement: EYS is on the minus strand); the first of 2 consecutive C bases (chr6:63,721,682-63,721,683); duplicating either gives the same sequence. VCF-style (leftmost placement, unchanged base first): chr6-63721681-G-GC. GRCh37 (hg19) VCF-style: chr6-64431577-G-GC.
Other names: c.*7975dup (NM_001290259.2, NM_001370348.2, NM_001370349.2 and 2 more transcripts); c.8412dup, p.His2805fs (NM_001292009.2); short protein forms H2784fs, H2805fs.
Identifiers: ClinVar variation 3772157 (VCV003772157.13).
Genomic context (GRCh38, chr6:63,721,681, plus strand): 5'-CATTTATCCCATCTAGATCCAGGTAGCCTTCTGCACCAACTCTTCCTGCTTTTATTATAT[G>GC]CCAAGTACTTCCGTTTATAGTTACTTTTTGGAGAGTTTCTAGAATGATAGTTCTGTCGCC-3'